The following is an entry in ClinVar:

ClinVar aggregate classification (germline): Uncertain significance. Review status: criteria provided, multiple submitters, no conflicts (2 of 4 stars). 2 submissions from 2 submitters: Uncertain significance (2). Last evaluated 2026-08-12.

Conditions:
Hereditary cancer-predisposing syndrome. Also called: Tumor predisposition; Hereditary neoplastic syndrome; Hereditary Cancer Syndrome; Neoplastic Syndromes, Hereditary. Identifiers: Orphanet 140162, MedGen C0027672, MeSH D009386, MONDO:0015356.
Neuroblastoma, susceptibility to, 3. Also called: ALK-Related Neuroblastic Tumor Susceptibility. Identifiers: Orphanet 635, MedGen C2751681, MONDO:0013083, OMIM 613014.

Submissions (2):

Ambry Genetics
Classification: Uncertain significance for Hereditary cancer-predisposing syndrome. Last evaluated: 2026-08-12. Review status: criteria provided, single submitter. Criteria: Ambry Variant Classification Scheme 2023. Collection method: clinical testing. Allele origin: germline.
Comment: The p.S211F variant (also known as c.632C>T), located in coding exon 1 of the ALK gene, results from a C to T substitution at nucleotide position 632. The serine at codon 211 is replaced by phenylalanine, an amino acid with highly dissimilar properties. This amino acid position is well conserved in available vertebrate species. In addition, the in silico prediction for this alteration is inconclusive. Based on the available evidence, the clinical significance of this variant remains unclear.

Labcorp Genetics (formerly Invitae), Labcorp
Classification: Uncertain significance for Neuroblastoma, susceptibility to, 3. Last evaluated: 2024-02-23. Review status: criteria provided, single submitter. Criteria: Invitae Variant Classification Sherloc (09022015). Collection method: clinical testing. Allele origin: germline.
Comment: This sequence change replaces serine, which is neutral and polar, with phenylalanine, which is neutral and non-polar, at codon 211 of the ALK protein (p.Ser211Phe). This variant is present in population databases (no rsID available, gnomAD 0.0009%). This variant has not been reported in the literature in individuals affected with ALK-related conditions. An algorithm developed to predict the effect of missense changes on protein structure and function (PolyPhen-2) suggests that this variant is likely to be disruptive. In summary, the available evidence is currently insufficient to determine the role of this variant in disease. Therefore, it has been classified as a Variant of Uncertain Significance.

NM_004304.5(ALK):c.632C>T (p.Ser211Phe)

Gene: ALK (ALK receptor tyrosine kinase; minus strand). Cytogenetic location: 2p23.1.
Variant type: single nucleotide variant.
Coding change: c.632C>T on transcript NM_004304.5 (MANE Select); coding-DNA position 632, C replaced by T.
Protein change: p.Ser211Phe; replaces serine 211 with phenylalanine.
Molecular consequence: missense variant.
Genome position (GRCh38, 1-based): chr2:29,920,028, G>A on the plus strand (C>T on the coding strand, the complement: ALK is on the minus strand). VCF-style: chr2-29920028-G-A. GRCh37 (hg19) VCF-style: chr2-30142894-G-A.
Other names: c.632C>T (NM_004304.4); short protein forms S211F.
Identifiers: ClinVar variation 3642706 (VCV003642706.3).